The following is an entry in ClinVar:

NM_002838.5(PTPRC):c.371C>T (p.Thr124Met)

Gene: PTPRC (protein tyrosine phosphatase receptor type C; plus strand). Cytogenetic location: 1q31.3.
Variant type: single nucleotide variant.
Coding change: c.371C>T on transcript NM_002838.5 (MANE Select); coding-DNA position 371, C replaced by T.
Protein change: p.Thr124Met; replaces threonine 124 with methionine.
Molecular consequence: missense variant. On other transcripts: intron variant (1).
Genome position (GRCh38, 1-based): chr1:198,699,636, C>T. VCF-style: chr1-198699636-C-T. GRCh37 (hg19) VCF-style: chr1-198668765-C-T.
Other names: c.101-3662C>T (NM_080921.4); short protein forms T124M.
Identifiers: ClinVar variation 1353080 (VCV001353080.5), dbSNP rs765927930, ClinGen allele CA344097258.

ClinVar aggregate classification (germline): Uncertain significance (1 of 4 stars; one submission).

Conditions:
Immunodeficiency 104. Also called: Severe combined immunodeficiency, autosomal recessive, T cell-negative, B cell-positive, NK cell-positive; Severe Combined Immune Deficiency, Autosomal Recessive, TCell -Negative, B Cell-Positive, NK Cell-Positive, IL7R-Related; SCID, AUTOSOMAL RECESSIVE, T CELL-NEGATIVE, B CELL-POSITIVE, NK CELL-POSITIVE; IMMUNODEFICIENCY 104, SEVERE COMBINED. Identifiers: MedGen C5676890, MONDO:0012163, OMIM 608971.

Allele frequency attached by ClinVar (database versions not stated): TOPMed below 0.00001; gnomAD 0.00001.
gnomAD v4.1: 7 of 1,614,112 alleles (0.00043%); highest among the groups gnomAD compares: Non-Finnish European, 0.00051%; no homozygotes.

Submission:

Labcorp Genetics (formerly Invitae), Labcorp
Classification: Uncertain significance for Immunodeficiency 104. Last evaluated: 2021-09-01. Review status: criteria provided, single submitter. Criteria: Invitae Variant Classification Sherloc (09022015). Collection method: clinical testing. Allele origin: germline.
Comment: This sequence change replaces threonine with methionine at codon 124 of the PTPRC protein (p.Thr124Met). The threonine residue is highly conserved and there is a moderate physicochemical difference between threonine and methionine. This variant is not present in population databases (ExAC no frequency). This variant has not been reported in the literature in individuals affected with PTPRC-related conditions. Algorithms developed to predict the effect of missense changes on protein structure and function are either unavailable or do not agree on the potential impact of this missense change (SIFT: "Deleterious"; PolyPhen-2: "Possibly Damaging"; Align-GVGD: "Class C0"). In summary, the available evidence is currently insufficient to determine the role of this variant in disease. Therefore, it has been classified as a Variant of Uncertain Significance.